The following is an entry in ClinVar:

ClinVar aggregate classification (germline): Uncertain significance (1 of 4 stars; one submission).

Conditions:
Cardiovascular phenotype. Identifiers: MedGen CN230736.

Allele frequency attached by ClinVar (database versions not stated): TOPMed 0.00002.

Submission:

Ambry Genetics
Classification: Uncertain significance for Cardiovascular phenotype. Last evaluated: 2023-06-04. Review status: criteria provided, single submitter. Criteria: Ambry Variant Classification Scheme 2023. Collection method: clinical testing. Allele origin: germline.
Comment: The c.2926-1G>C intronic variant results from a G to C substitution one nucleotide upstream from coding exon 13 of the MYPN gene. Alterations that disrupt the canonical splice site are expected to result in aberrant splicing. In silico splice site analysis predicts that this alteration will weaken the native splice acceptor site. The resulting transcript is predicted to be in-frame and is not expected to trigger nonsense-mediated mRNAdecay; however, direct evidence is unavailable. The exact functional effect of the altered amino acid sequence is unknown. This nucleotide position is highly conserved in available vertebrate species. Since supporting evidence is limited at this time, the clinical significance of this alteration remains unclear.

NM_032578.4(MYPN):c.2926-1G>C

Gene: MYPN (myopalladin; plus strand). Cytogenetic location: 10q21.3.
Variant type: single nucleotide variant.
Coding change: c.2926-1G>C on transcript NM_032578.4 (MANE Select); the canonical splice acceptor site of the intron before coding-DNA position 2926, G replaced by C.
Molecular consequence: splice acceptor variant.
Genome position (GRCh38, 1-based): chr10:68,194,362, G>C. VCF-style: chr10-68194362-G-C. GRCh37 (hg19) VCF-style: chr10-69954119-G-C.
Other names: c.2926-1G>C (NM_001256267.2); c.2044-1G>C (NM_001256268.2).
Identifiers: ClinVar variation 2563979 (VCV002563979.2), dbSNP rs2043567815, ClinGen allele CA376855442.